The following is an entry in ClinVar:

ClinVar aggregate classification (germline): Uncertain significance (1 of 4 stars; one submission).

Allele frequency attached by ClinVar (database versions not stated): gnomAD exomes below 0.00001.
gnomAD v4.1: 1 of 1,207,966 alleles (0.000083%); highest among the groups gnomAD compares: South Asian, 0.0018%; no homozygotes.

Submission:

Labcorp Genetics (formerly Invitae), Labcorp
Classification: Uncertain significance. Last evaluated: 2025-11-13. Review status: criteria provided, single submitter. Criteria: Invitae Variant Classification Sherloc (09022015). Collection method: clinical testing. Allele origin: germline.
Comment: This sequence change replaces glutamine, which is neutral and polar, with leucine, which is neutral and non-polar, at codon 323 of the NYX protein (p.Gln323Leu). This variant is not present in population databases (gnomAD no frequency). This variant has not been reported in the literature in individuals affected with NYX-related conditions. ClinVar contains an entry for this variant (Variation ID: 2787995). Invitae Evidence Modeling of protein sequence and biophysical properties (such as structural, functional, and spatial information, amino acid conservation, physicochemical variation, residue mobility, and thermodynamic stability) indicates that this missense variant is not expected to disrupt NYX protein function with a negative predictive value of 80%. In summary, the available evidence is currently insufficient to determine the role of this variant in disease. Therefore, it has been classified as a Variant of Uncertain Significance.

NM_001378477.3(NYX):c.953A>T (p.Gln318Leu)

Gene: NYX (nyctalopin; plus strand). Cytogenetic location: Xp11.4.
Variant type: single nucleotide variant.
Coding change: c.953A>T on transcript NM_001378477.3 (MANE Select); coding-DNA position 953, A replaced by T.
Protein change: p.Gln318Leu; replaces glutamine 318 with leucine.
Molecular consequence: missense variant.
Genome position (GRCh38, 1-based): chrX:41,474,421, A>T. VCF-style: chrX-41474421-A-T. GRCh37 (hg19) VCF-style: chrX-41333674-A-T.
Other names: c.953A>T, p.Gln318Leu (NM_022567.3); short protein forms Q318L.
Identifiers: ClinVar variation 2787995 (VCV002787995.3), dbSNP rs2519608422, ClinGen allele CA412991924.